The following is an entry in ClinVar:

NM_004453.4(ETFDH):c.867del (p.Arg290fs)

Gene: ETFDH (electron transfer flavoprotein dehydrogenase; plus strand). Cytogenetic location: 4q32.1.
Variant type: Deletion.
Coding change: c.867del on transcript NM_004453.4 (MANE Select); coding-DNA position 867, one base deleted (G; older notation c.867delG).
Protein change: p.Arg290fs; shifts the reading frame from arginine 290.
Molecular consequence: frameshift variant.
Genome position (GRCh38, 1-based): chr4:158,697,594, G deleted; the last of 3 consecutive G bases (chr4:158,697,592-158,697,594); deleting any one gives the same sequence. VCF-style (leftmost placement, unchanged base first): chr4-158697591-TG-T. GRCh37 (hg19) VCF-style: chr4-159618743-TG-T.
Other names: c.726del, p.Arg243fs (NM_001281737.2); c.684del, p.Arg229fs (NM_001281738.1); short protein forms R229fs, R243fs, R290fs.
Identifiers: ClinVar variation 4815355 (VCV004815355.1).

ClinVar aggregate classification (germline): Likely pathogenic (1 of 4 stars; one submission).

Conditions:
Glutaric acidemia type 2C.

Submission:

Natera, Inc.
Classification: Likely pathogenic for Glutaric acidemia type 2C. Last evaluated: 2024-04-17. Review status: criteria provided, single submitter. Criteria: Natera Variant Classification Schema (03/2026). Collection method: clinical testing. Allele origin: germline.
Comment: The c.867delG variant in ETFDH is a frameshift variant predicted to shift the reading frame beginning at codon 290 and leads to a stop codon 2 codons downstream. This variant is expected to result in nonsense mediated decay, truncation, or a dysfunctional protein product. This variant is rare in the general population with a frequency below the threshold expected for the associated phenotype(s). Given the available evidence, this variant is classified as Likely Pathogenic.